The following is an entry in ClinVar:

NM_022124.6(CDH23):c.6463_6464del (p.Ser2155fs)

Gene: CDH23 (cadherin related 23; plus strand). Cytogenetic location: 10q22.1.
Variant type: Microsatellite.
Coding change: c.6463_6464del on transcript NM_022124.6 (MANE Select); coding-DNA positions 6463 to 6464, 2 bases deleted (TC; older notation c.6463_6464delTC).
Protein change: p.Ser2155fs; shifts the reading frame from serine 2155.
Molecular consequence: frameshift variant.
Genome position (GRCh38, 1-based): chr10:71,793,391-71,793,392, TC deleted; deleting any 2 consecutive bases within chr10:71,793,386-71,793,392 gives the same sequence; the c. name uses the placement nearest the transcript's 3' end. VCF-style (leftmost placement, unchanged base first): chr10-71793385-CCT-C. GRCh37 (hg19) VCF-style: chr10-73553142-CCT-C.
Other names: short protein forms S2155fs.
Identifiers: ClinVar variation 4816091 (VCV004816091.1).

ClinVar aggregate classification (germline): Likely pathogenic (1 of 4 stars; one submission).

Conditions:
Usher syndrome type 1 (USH1). Also called: RETINITIS PIGMENTOSA AND CONGENITAL DEAFNESS. Identifiers: Orphanet 231169, Orphanet 886, MedGen C1568247, MONDO:0010168, OMIM 276900.

Submission:

Natera, Inc.
Classification: Likely pathogenic for Usher syndrome type 1. Last evaluated: 2026-01-05. Review status: criteria provided, single submitter. Criteria: Natera Variant Classification Schema (03/2026). Collection method: clinical testing. Allele origin: germline.
Comment: The c.6463_6464del variant in CDH23 is a frameshift variant predicted to shift the reading frame beginning at codon 2155 and leads to a stop codon 11 codons downstream. This variant is expected to result in nonsense mediated decay, truncation, or a dysfunctional protein product. This variant is rare in the general population with a frequency below the threshold expected for the associated phenotype(s). Given the available evidence, this variant is classified as Likely Pathogenic.